The following is an entry in ClinVar:

ClinVar aggregate classification (germline): Uncertain significance. Review status: criteria provided, multiple submitters, no conflicts (2 of 4 stars). 2 submissions from 2 submitters: Uncertain significance (2). Last evaluated 2025-01-01.

Allele frequency attached by ClinVar (database versions not stated): gnomAD exomes below 0.00001; gnomAD 0.00001; ExAC 0.00006.
gnomAD v4.1: 3 of 1,550,300 alleles (0.00019%); highest among the groups gnomAD compares: African/African-American, 0.0014%; no homozygotes.

Submissions (2):

CeGaT Center for Human Genetics Tuebingen
Classification: Uncertain significance. Last evaluated: 2025-01-01. Review status: criteria provided, single submitter. Criteria: CeGaT Center For Human Genetics Tuebingen Variant Classification Criteria Version 2. Collection method: clinical testing. Allele origin: germline. Affected: yes. Observed: 1 variant allele.
Comment: ZNF469: PM2, BP4

Labcorp Genetics (formerly Invitae), Labcorp
Classification: Uncertain significance. Last evaluated: 2022-06-17. Review status: criteria provided, single submitter. Criteria: Invitae Variant Classification Sherloc (09022015). Collection method: clinical testing. Allele origin: germline.
Comment: Algorithms developed to predict the effect of missense changes on protein structure and function output the following: SIFT: "Tolerated"; PolyPhen-2: "Benign"; Align-GVGD: "Class C0". The serine amino acid residue is found in multiple mammalian species, which suggests that this missense change does not adversely affect protein function. This variant has not been reported in the literature in individuals affected with ZNF469-related conditions. This variant is present in population databases (rs756058946, gnomAD 0.004%). This sequence change replaces proline, which is neutral and non-polar, with serine, which is neutral and polar, at codon 1788 of the ZNF469 protein (p.Pro1788Ser). In summary, the available evidence is currently insufficient to determine the role of this variant in disease. Therefore, it has been classified as a Variant of Uncertain Significance.

NM_001367624.2(ZNF469):c.5446C>T (p.Pro1816Ser)

Gene: ZNF469 (zinc finger protein 469; plus strand). Cytogenetic location: 16q24.2.
Variant type: single nucleotide variant.
Coding change: c.5446C>T on transcript NM_001367624.2 (MANE Select); coding-DNA position 5446, C replaced by T.
Protein change: p.Pro1816Ser; replaces proline 1816 with serine.
Molecular consequence: missense variant.
Genome position (GRCh38, 1-based): chr16:88,432,916, C>T. VCF-style: chr16-88432916-C-T. GRCh37 (hg19) VCF-style: chr16-88499324-C-T.
Other names: short protein forms P1816S.
Identifiers: ClinVar variation 2108988 (VCV002108988.15), dbSNP rs756058946, ClinGen allele CA8225080.